The following is an entry in ClinVar:

ClinVar aggregate classification (germline): Uncertain significance (1 of 4 stars; one submission).

Conditions:
Intellectual developmental disorder with or without epilepsy or cerebellar ataxia. Identifiers: MedGen C4748041, MONDO:0060745, OMIM 618060.

Submission:

MVZ Medizinische Genetik Mainz
Classification: Uncertain significance for Intellectual developmental disorder with or without epilepsy or cerebellar ataxia. Last evaluated: 2022-05-19. Review status: criteria provided, single submitter. Criteria: UK Practice Guidelines For Variant Classification V4 01 2020. Collection method: clinical testing. Allele origin: germline. Inheritance: Autosomal dominant inheritance. Affected: yes. Observed: 1 variant allele.
Comment: ACMG Criteria: PM2_SUP,PP3

NM_134261.3(RORA):c.851A>C (p.His284Pro)

Genes: RORA (RAR related orphan receptor A; minus strand), RORA-AS1 (RORA antisense RNA 1; plus strand). Cytogenetic location: 15q22.2.
Variant type: single nucleotide variant.
Coding change: c.851A>C on transcript NM_134261.3 (MANE Select); coding-DNA position 851, A replaced by C.
Protein change: p.His284Pro; replaces histidine 284 with proline.
Molecular consequence: missense variant.
Genome position (GRCh38, 1-based): chr15:60,505,599, T>G on the plus strand (A>C on the coding strand, the complement: RORA is on the minus strand). VCF-style: chr15-60505599-T-G. GRCh37 (hg19) VCF-style: chr15-60797798-T-G.
Other names: c.926A>C, p.His309Pro (NM_002943.4); c.950A>C, p.His317Pro (NM_134260.3); c.686A>C, p.His229Pro (NM_134262.3); short protein forms H229P, H284P, H309P, H317P.
Identifiers: ClinVar variation 3236194 (VCV003236194.1), dbSNP rs2542010945, ClinGen allele CA392669548.